The following is an entry in ClinVar:

ClinVar aggregate classification (germline): Uncertain significance (1 of 4 stars; one submission).

Allele frequency attached by ClinVar (database versions not stated): gnomAD exomes below 0.00001.
gnomAD v4.1: 6 of 1,517,996 alleles (0.0004%); highest among the groups gnomAD compares: Non-Finnish European, 0.00053%; no homozygotes.

Submission:

Labcorp Genetics (formerly Invitae), Labcorp
Classification: Uncertain significance. Last evaluated: 2024-10-26. Review status: criteria provided, single submitter. Criteria: Invitae Variant Classification Sherloc (09022015). Collection method: clinical testing. Allele origin: germline.
Comment: This sequence change replaces proline, which is neutral and non-polar, with serine, which is neutral and polar, at codon 773 of the COL4A2 protein (p.Pro773Ser). This variant is not present in population databases (gnomAD no frequency). This variant has not been reported in the literature in individuals affected with COL4A2-related conditions. ClinVar contains an entry for this variant (Variation ID: 311146). Invitae Evidence Modeling of protein sequence and biophysical properties (such as structural, functional, and spatial information, amino acid conservation, physicochemical variation, residue mobility, and thermodynamic stability) indicates that this missense variant is not expected to disrupt COL4A2 protein function with a negative predictive value of 95%. In summary, the available evidence is currently insufficient to determine the role of this variant in disease. Therefore, it has been classified as a Variant of Uncertain Significance.

NM_001846.4(COL4A2):c.2317C>T (p.Pro773Ser)

Gene: COL4A2 (collagen type IV alpha 2 chain; plus strand). Cytogenetic location: 13q34.
Variant type: single nucleotide variant.
Coding change: c.2317C>T on transcript NM_001846.4 (MANE Select); coding-DNA position 2317, C replaced by T.
Protein change: p.Pro773Ser; replaces proline 773 with serine.
Molecular consequence: missense variant.
Genome position (GRCh38, 1-based): chr13:110,473,042, C>T. VCF-style: chr13-110473042-C-T. GRCh37 (hg19) VCF-style: chr13-111125389-C-T.
Other names: short protein forms P773S.
Identifiers: ClinVar variation 311146 (VCV000311146.10), dbSNP rs886049976, ClinGen allele CA10643785.